The following is an entry in ClinVar:

NM_002972.4(SBF1):c.1188C>T (p.Val396=)

Gene: SBF1 (SET binding factor 1; minus strand). Cytogenetic location: 22q13.33.
Variant type: single nucleotide variant.
Coding change: c.1188C>T on transcript NM_002972.4 (MANE Select); coding-DNA position 1188, C replaced by T.
Protein change: p.Val396=; no amino-acid change (valine 396 retained).
Molecular consequence: synonymous variant.
Genome position (GRCh38, 1-based): chr22:50,465,230, G>A on the plus strand (C>T on the coding strand, the complement: SBF1 is on the minus strand). VCF-style: chr22-50465230-G-A. GRCh37 (hg19) VCF-style: chr22-50903659-G-A.
Other names: c.1191C>T, p.Val397= (NM_001365819.1, NM_001410794.1); c.1188C>T, p.Val396= (NM_001410795.1, NM_197971.1).
Identifiers: ClinVar variation 2051115 (VCV002051115.8), dbSNP rs548628656, ClinGen allele CA10317798.

ClinVar aggregate classification (germline): Likely benign. Review status: criteria provided, multiple submitters, no conflicts (2 of 4 stars). 2 submissions from 2 submitters: Likely benign (2). Last evaluated 2026-02-01.

Allele frequency attached by ClinVar (database versions not stated): gnomAD 0.00002; gnomAD exomes 0.00002; TOPMed 0.00003; ExAC 0.00006.
gnomAD v4.1: 16 of 1,612,564 alleles (0.00099%); highest among the groups gnomAD compares: Admixed American, 0.023%; no homozygotes.

Submissions (2):

CeGaT Center for Human Genetics Tuebingen
Classification: Likely benign. Last evaluated: 2026-02-01. Review status: criteria provided, single submitter. Criteria: CeGaT Center For Human Genetics Tuebingen Variant Classification Criteria Version 2. Collection method: clinical testing. Allele origin: germline. Affected: yes. Observed: 1 variant allele.
Comment: SBF1: BP4, BP7

Labcorp Genetics (formerly Invitae), Labcorp
Classification: Likely benign. Last evaluated: 2023-12-30. Review status: criteria provided, single submitter. Criteria: Invitae Variant Classification Sherloc (09022015). Collection method: clinical testing. Allele origin: germline.